The following is an entry in ClinVar:

NM_020754.4(ARHGAP31):c.2140C>T (p.Pro714Ser)

Gene: ARHGAP31 (Rho GTPase activating protein 31; plus strand). Cytogenetic location: 3q13.33.
Variant type: single nucleotide variant.
Coding change: c.2140C>T on transcript NM_020754.4 (MANE Select); coding-DNA position 2140, C replaced by T.
Protein change: p.Pro714Ser; replaces proline 714 with serine.
Molecular consequence: missense variant.
Genome position (GRCh38, 1-based): chr3:119,414,069, C>T. VCF-style: chr3-119414069-C-T. GRCh37 (hg19) VCF-style: chr3-119132916-C-T.
Other names: short protein forms P714S.
Identifiers: ClinVar variation 2229608 (VCV002229608.2), dbSNP rs753114484, ClinGen allele CA2553974.

ClinVar aggregate classification (germline): Uncertain significance (1 of 4 stars; one submission).

Conditions:
Inborn genetic diseases. Identifiers: MedGen C0950123, MeSH D030342.

Allele frequency attached by ClinVar (database versions not stated): gnomAD 0.00001; gnomAD exomes 0.00001; ExAC 0.00002.

Submission:

Ambry Genetics
Classification: Uncertain significance for Inborn genetic diseases. Last evaluated: 2021-03-09. Review status: criteria provided, single submitter. Criteria: Ambry Variant Classification Scheme 2023. Collection method: clinical testing. Allele origin: germline.
Comment: The c.2140C>T (p.P714S) alteration is located in exon 12 (coding exon 12) of the ARHGAP31 gene. This alteration results from a C to T substitution at nucleotide position 2140, causing the proline (P) at amino acid position 714 to be replaced by a serine (S). The p.P714S alteration is predicted to be tolerated by in silico analysis. Based on insufficient or conflicting evidence, the clinical significance of this alteration remains unclear.